The following is an entry in ClinVar:

NM_015629.4(PRPF31):c.684C>T (p.Ala228=)

Gene: PRPF31 (pre-mRNA processing factor 31; plus strand). Cytogenetic location: 19q13.42.
Variant type: single nucleotide variant.
Coding change: c.684C>T on transcript NM_015629.4 (MANE Select); coding-DNA position 684, C replaced by T.
Protein change: p.Ala228=; no amino-acid change (alanine 228 retained).
Molecular consequence: synonymous variant.
Genome position (GRCh38, 1-based): chr19:54,123,905, C>T. VCF-style: chr19-54123905-C-T. GRCh37 (hg19) VCF-style: chr19-54627284-C-T.
Other names: c.684C>T (NM_015629.3).
Identifiers: ClinVar variation 1633614 (VCV001633614.12), dbSNP rs181492006, ClinGen allele CA309325343.

ClinVar aggregate classification (germline): Likely benign. Review status: criteria provided, multiple submitters, no conflicts (2 of 4 stars). 4 submissions from 4 submitters: Likely benign (3). 1 of the submissions does not count toward it. Last evaluated 2025-07-22.

Conditions:
Retinal dystrophy. Also called: Inherited retinal dystrophy. Identifiers: Orphanet 71862, MedGen C0854723, MeSH D058499, MONDO:0019118, HP:0000556.
PRPF31-related disorder. Also called: PRPF31-related condition.

Allele frequency attached by ClinVar (database versions not stated): gnomAD exomes 0.00003 and 0.00004; ExAC 0.00005; gnomAD 0.00005 and 0.00006; TOPMed 0.00005; 1000 Genomes Project 0.00020; 1000 Genomes Project 30x 0.00031.
gnomAD v4.1: 49 of 1,613,790 alleles (0.003%); highest among the groups gnomAD compares: Middle Eastern, 0.017%; no homozygotes.

Submissions (4):

Labcorp Genetics (formerly Invitae), Labcorp
Classification: Likely benign. Last evaluated: 2025-07-22. Review status: criteria provided, single submitter. Criteria: Invitae Variant Classification Sherloc (09022015). Collection method: clinical testing. Allele origin: germline.

Blueprint Genetics
Classification: Likely benign. Last evaluated: 2024-04-09. Review status: criteria provided, single submitter. Criteria: ACMG Guidelines, 2015. Collection method: clinical testing. Allele origin: germline.

Dept Of Ophthalmology, Nagoya University
Classification: Likely benign for Retinal dystrophy. Last evaluated: 2023-10-01. Review status: criteria provided, single submitter. Criteria: Submitter's publication. Collection method: research. Allele origin: germline. Affected: yes.

PreventionGenetics, part of Exact Sciences
Classification: Likely benign for PRPF31-related condition. Last evaluated: 2019-07-04. Review status: no assertion criteria provided. Collection method: clinical testing. Allele origin: germline. Not counted in ClinVar's aggregate classification.
Comment: This variant is classified as likely benign based on ACMG/AMP sequence variant interpretation guidelines (Richards et al. 2015 PMID: 25741868, with internal and published modifications).